The following is an entry in ClinVar:

NM_007294.4(BRCA1):c.2247_2248insGA (p.Leu750fs)

Gene: BRCA1 (BRCA1 DNA repair associated; minus strand). Cytogenetic location: 17q21.31.
Variant type: Insertion.
Coding change: c.2247_2248insGA on transcript NM_007294.4 (MANE Select); coding-DNA positions 2247 to 2248, GA inserted.
Protein change: p.Leu750fs; shifts the reading frame from leucine 750.
Molecular consequence: frameshift variant. On other transcripts: intron variant (137).
Genome position: GRCh38 VCF-style: chr17-43093283-G-GTC. GRCh37 (hg19) VCF-style: chr17-41245300-G-GTC.
Other names: c.2244_2245insGA, p.Leu749fs (NM_001407615.1, NM_001407627.1, NM_001407628.1 and 22 more transcripts); c.2247_2248insGA, p.Leu750fs (NM_001407616.1, NM_001407617.1, NM_001407618.1 and 30 more transcripts); c.2238_2239insGA, p.Leu747fs (NM_001407646.1, NM_001407647.1); c.2124_2125insGA, p.Leu709fs (NM_001407648.1, NM_001407664.1, NM_001407665.1 and 19 more transcripts); c.2121_2122insGA, p.Leu708fs (NM_001407649.1, NM_001407670.1, NM_001407671.1 and 11 more transcripts); c.2169_2170insGA, p.Leu724fs (NM_001407653.1, NM_001407654.1, NM_001407655.1 and 4 more transcripts); c.2166_2167insGA, p.Leu723fs (NM_001407659.1, NM_001407660.1, NM_001407661.1 and 1 more transcripts); c.2106_2107insGA, p.Leu703fs (NM_001407692.1, NM_001407694.1, NM_001407695.1 and 29 more transcripts); and 41 more; short protein forms L703fs, L750fs, L454fs, L582fs, L622fs, L679fs, L747fs, L749fs.
Identifiers: ClinVar variation 548213 (VCV000548213.2), dbSNP rs1555590055, ClinGen allele CA658824013.

ClinVar aggregate classification (germline): Pathogenic (3 of 4 stars; one submission).

Conditions:
Breast-ovarian cancer, familial, susceptibility to, 1 (BROVCA1). Also called: BRCA1 Hereditary Breast and Ovarian Cancer; OVARIAN CANCER, SUSCEPTIBILITY TO. Identifiers: Orphanet 145, MedGen C2676676, MONDO:0011450, OMIM 604370. Disease mechanism: loss of function.

Submission:

Evidence-based Network for the Interpretation of Germline Mutant Alleles (ENIGMA)
Classification: Pathogenic for Breast-ovarian cancer, familial, susceptibility to, 1. Last evaluated: 2017-12-15. Review status: reviewed by expert panel. Criteria: ENIGMA BRCA1/2 Classification Criteria (2017-06-29). Collection method: curation. Allele origin: germline. Study: ENIGMA.
Comment: Variant allele predicted to encode a truncated non-functional protein.